The following is an entry in ClinVar:

NM_020401.4(NUP107):c.357C>T (p.Ser119=)

Gene: NUP107 (nucleoporin 107; plus strand). Cytogenetic location: 12q15.
Variant type: single nucleotide variant.
Coding change: c.357C>T on transcript NM_020401.4 (MANE Select); coding-DNA position 357, C replaced by T.
Protein change: p.Ser119=; no amino-acid change (serine 119 retained).
Molecular consequence: synonymous variant.
Genome position (GRCh38, 1-based): chr12:68,692,021, C>T. VCF-style: chr12-68692021-C-T. GRCh37 (hg19) VCF-style: chr12-69085801-C-T.
Other names: p.Ser119=; c.270C>T, p.Ser90= (NM_001330192.2).
Identifiers: ClinVar variation 709091 (VCV000709091.15), dbSNP rs150431213, ClinGen allele CA6677395.

ClinVar aggregate classification (germline): Benign/Likely benign. Review status: criteria provided, multiple submitters, no conflicts (2 of 4 stars). 5 submissions from 5 submitters: Benign (2); Likely benign (3). Last evaluated 2026-02-02.

Allele frequency attached by ClinVar (database versions not stated): ESP Exome Variant Server 0.00008; gnomAD exomes 0.00062 and 0.00263; gnomAD 0.00163 and 0.00169; ExAC 0.00191; TOPMed 0.00254; 1000 Genomes Project 0.00319; 1000 Genomes Project 30x 0.00344.
gnomAD v4.1: 1,169 of 1,611,136 alleles (0.073%); highest among the groups gnomAD compares: Admixed American, 1.8%; 19 homozygotes.

Submissions (5):

Labcorp Genetics (formerly Invitae), Labcorp
Classification: Benign. Last evaluated: 2026-02-02. Review status: criteria provided, single submitter. Criteria: Invitae Variant Classification Sherloc (09022015). Collection method: clinical testing. Allele origin: germline.

Mayo Clinic Laboratories, Mayo Clinic
Classification: Benign. Last evaluated: 2025-07-11. Review status: criteria provided, single submitter. Criteria: ACMG Guidelines, 2015. Collection method: clinical testing. Allele origin: germline. Observed: 1 variant allele.
Comment: BS1, BS2, BP4, BP7

Blueprint Genetics
Classification: Likely benign. Last evaluated: 2024-11-25. Review status: criteria provided, single submitter. Criteria: ACMG Guidelines, 2015. Collection method: clinical testing. Allele origin: germline.

GeneDx
Classification: Likely benign. Last evaluated: 2020-09-18. Review status: criteria provided, single submitter. Criteria: GeneDx Variant Classification Process June 2021. Collection method: clinical testing. Allele origin: germline. Affected: yes.

Breakthrough Genomics
Classification: Likely benign. Review status: criteria provided, single submitter. Criteria: ACMG Guidelines, 2015. Collection method: not provided. Allele origin: germline. Inheritance: Autosomal recessive inheritance. Affected: yes.